The following is an entry in ClinVar:

ClinVar aggregate classification (germline): Conflicting classifications of pathogenicity. Review status: criteria provided, conflicting classifications (1 of 4 stars). 4 submissions from 4 submitters: Uncertain significance (3); Likely benign (1). Last evaluated 2025-02-13.

Conditions:
BRCA2-related cancer predisposition. Identifiers: MedGen CN377758, MONDO:0700269.
Hereditary cancer-predisposing syndrome. Also called: Neoplastic Syndromes, Hereditary; Tumor predisposition; Hereditary Cancer Syndrome; Hereditary neoplastic syndrome. Identifiers: Orphanet 140162, MedGen C0027672, MeSH D009386, MONDO:0015356.

Submissions (4):

Women's Health and Genetics/Laboratory Corporation of America, LabCorp
Classification: Uncertain significance. Last evaluated: 2025-02-13. Review status: criteria provided, single submitter. Criteria: LabCorp Variant Classification Summary - May 2015. Collection method: clinical testing. Allele origin: germline.

All of Us Research Program, National Institutes of Health
Classification: Uncertain significance for BRCA2-related cancer predisposition. Last evaluated: 2024-07-29. Review status: criteria provided, single submitter. Criteria: ACMG Guidelines, 2015. Collection method: clinical testing. Allele origin: germline. Inheritance: Autosomal dominant inheritance. Observed: 1 variant allele, 1 heterozygote.
Comment: This missense variant replaces glutamic acid with valine at codon 462 of the BRCA2 protein. Computational prediction suggests that this variant may not impact protein structure and function (internally defined REVEL score threshold <= 0.5, PMID: 27666373). To our knowledge, functional studies have not been reported for this variant. This variant has not been reported in individuals affected with BRCA2-related disorders in the literature. This variant has not been identified in the general population by the Genome Aggregation Database (gnomAD). The available evidence is insufficient to determine the role of this variant in disease conclusively. Therefore, this variant is classified as a Variant of Uncertain Significance.

This study involves interpretation of variants in research participants for the purpose of population health screening. Participant phenotype was not available at the time of variant classification. Additional details can be found in publication PMID: 35346344, PMCID: PMC8962531

Ambry Genetics
Classification: Uncertain significance for Hereditary cancer-predisposing syndrome. Last evaluated: 2023-07-29. Review status: criteria provided, single submitter. Criteria: Ambry Variant Classification Scheme 2023. Collection method: clinical testing. Allele origin: germline.
Comment: The p.E462V variant (also known as c.1385A>T), located in coding exon 9 of the BRCA2 gene, results from an A to T substitution at nucleotide position 1385. The glutamic acid at codon 462 is replaced by valine, an amino acid with dissimilar properties. This variant was not reported in population based cohorts in the following databases: Database of Single Nucleotide Polymorphisms (dbSNP), NHLBI Exome Sequencing Project (ESP), and 1000 Genomes Project. In the ESP, this variant was not observed in 6503 samples (13006 alleles) with coverage at this position. To date, this alteration has been detected with an allele frequency of approximately 0.0004% (greater than 225000 alleles tested) in our clinical cohort. This amino acid position is not well conserved in available vertebrate species. In addition, this alteration is predicted to be tolerated by in silico analysis. Since supporting evidence is limited at this time, the clinical significance of this alteration remains unclear.

University of Washington Department of Laboratory Medicine, University of Washington
Classification: Likely benign for Hereditary cancer-predisposing syndrome. Last evaluated: 2023-03-23. Review status: criteria provided, single submitter. Criteria: Dines et al. (Genet Med. 2020). Collection method: curation. Allele origin: germline.
Comment: Missense variant in a coldspot region where missense variants are very unlikely to be pathogenic (PMID:31911673).

BRCA2 exon 10 coldspot. Reclassification based on statistical prior probability.

NM_000059.4(BRCA2):c.1385A>T (p.Glu462Val)

Gene: BRCA2 (BRCA2 DNA repair associated; plus strand). Cytogenetic location: 13q13.1.
Variant type: single nucleotide variant.
Coding change: c.1385A>T on transcript NM_000059.4 (MANE Select); coding-DNA position 1385, A replaced by T.
Protein change: p.Glu462Val; replaces glutamic acid 462 with valine.
Molecular consequence: missense variant.
Genome position (GRCh38, 1-based): chr13:32,332,863, A>T. VCF-style: chr13-32332863-A-T. GRCh37 (hg19) VCF-style: chr13-32907000-A-T.
Other names: short protein forms E462V.
Identifiers: ClinVar variation 481524 (VCV000481524.10), dbSNP rs56403624, ClinGen allele CA387763037.